The following is an entry in ClinVar:

NM_001375524.1(TRRAP):c.8126T>C (p.Leu2709Pro)

Gene: TRRAP (transformation/transcription domain associated protein; plus strand). Cytogenetic location: 7q22.1.
Variant type: single nucleotide variant.
Coding change: c.8126T>C on transcript NM_001375524.1 (MANE Select); coding-DNA position 8126, T replaced by C.
Protein change: p.Leu2709Pro; replaces leucine 2709 with proline.
Molecular consequence: missense variant.
Genome position (GRCh38, 1-based): chr7:98,976,649, T>C. VCF-style: chr7-98976649-T-C. GRCh37 (hg19) VCF-style: chr7-98574272-T-C.
Other names: c.8051T>C, p.Leu2684Pro (NM_003496.4); c.8105T>C, p.Leu2702Pro (NM_001244580.2); short protein forms L2684P, L2702P, L2709P.
Identifiers: ClinVar variation 1190207 (VCV001190207.2), dbSNP rs2116731243, ClinGen allele CA368303711.

ClinVar aggregate classification (germline): Uncertain significance (1 of 4 stars; one submission).

Submission:

GeneDx
Classification: Uncertain significance. Last evaluated: 2019-08-09. Review status: criteria provided, single submitter. Criteria: GeneDx Variant Classification Process June 2021. Collection method: clinical testing. Allele origin: germline. Affected: yes.
Comment: Not observed in large population cohorts (Lek et al., 2016); In silico analysis, which includes protein predictors and evolutionary conservation, supports a deleterious effect; Has not been previously published as pathogenic or benign to our knowledge